The following is an entry in ClinVar:

ClinVar aggregate classification (germline): Conflicting classifications of pathogenicity. Review status: criteria provided, conflicting classifications (1 of 4 stars). 2 submissions from 2 submitters: Likely pathogenic (1); Uncertain significance (1). Last evaluated 2025-03-17.

Conditions:
Brain small vessel disease 1 with or without ocular anomalies (BSVD1). Also called: PORENCEPHALY, TYPE 1, AUTOSOMAL DOMINANT; GOULD SYNDROME 1; BRAIN SMALL VESSEL DISEASE WITH HEMORRHAGE; Brain small vessel disease with or without ocular anomalies. Identifiers: Orphanet 2940, Orphanet 36383, Orphanet 99810, MedGen C4755307, MONDO:0008289, OMIM 175780.

Submissions (2):

Institute of Human Genetics, University of Leipzig Medical Center
Classification: Uncertain significance for Brain small vessel disease 1 with or without ocular anomalies. Last evaluated: 2025-03-17. Review status: criteria provided, single submitter. Criteria: ACMG Guidelines, 2015. Collection method: clinical testing. Allele origin: unknown. Inheritance: Autosomal dominant inheritance. Affected: yes.
Comment: Criteria applied: PVS1_MOD,PM2,PS4_SUP

GeneDx
Classification: Likely pathogenic. Last evaluated: 2017-03-09. Review status: criteria provided, single submitter. Criteria: GeneDx Variant Classification (06012015). Collection method: clinical testing. Allele origin: germline. Affected: yes.
Comment: The c.2627-1G>A variant in the COL4A1 gene has not been reported previously as a pathogenic variant nor as a benign variant, to our knowledge. This splice site variant destroys the canonical splice acceptor site in intron 32, which is predicted to cause abnormal gene splicing. The c.2627-1G>A variant is not observed in large population cohorts (Lek et al., 2016; 1000 Genomes Consortium et al., 2015; Exome Variant Server). Therefore, we interpret c.2627-1G>A as a likely pathogenic variant.

NM_001845.6(COL4A1):c.2627-1G>A

Gene: COL4A1 (collagen type IV alpha 1 chain; minus strand). Cytogenetic location: 13q34.
Variant type: single nucleotide variant.
Coding change: c.2627-1G>A on transcript NM_001845.6 (MANE Select); the canonical splice acceptor site of the intron before coding-DNA position 2627, G replaced by A.
Molecular consequence: splice acceptor variant.
Genome position (GRCh38, 1-based): chr13:110,177,932, C>T on the plus strand (G>A on the coding strand, the complement: COL4A1 is on the minus strand). VCF-style: chr13-110177932-C-T. GRCh37 (hg19) VCF-style: chr13-110830279-C-T.
Identifiers: ClinVar variation 424127 (VCV000424127.4), dbSNP rs1064796811, ClinGen allele CA16619612.